The following is an entry in ClinVar:

ClinVar aggregate classification (germline): Uncertain significance (1 of 4 stars; one submission).

Conditions:
Early-infantile DEE. Also called: Ohtahara syndrome; Early infantile epileptic encephalopathy with suppression bursts; Early infantile epileptic encephalopathy. Identifiers: Orphanet 1934, MedGen C0393706, MONDO:0800491.

Submission:

Labcorp Genetics (formerly Invitae), Labcorp
Classification: Uncertain significance for Early-infantile DEE. Last evaluated: 2022-03-26. Review status: criteria provided, single submitter. Criteria: Invitae Variant Classification Sherloc (09022015). Collection method: clinical testing. Allele origin: germline.
Comment: In summary, the available evidence is currently insufficient to determine the role of this variant in disease. Therefore, it has been classified as a Variant of Uncertain Significance. Algorithms developed to predict the effect of missense changes on protein structure and function (SIFT, PolyPhen-2, Align-GVGD) all suggest that this variant is likely to be disruptive. This variant has not been reported in the literature in individuals affected with SPTAN1-related conditions. This variant is not present in population databases (gnomAD no frequency). This sequence change replaces isoleucine, which is neutral and non-polar, with valine, which is neutral and non-polar, at codon 2059 of the SPTAN1 protein (p.Ile2059Val).

NM_001130438.3(SPTAN1):c.6175A>G (p.Ile2059Val)

Gene: SPTAN1 (spectrin alpha, non-erythrocytic 1; plus strand). Cytogenetic location: 9q34.11.
Variant type: single nucleotide variant.
Coding change: c.6175A>G on transcript NM_001130438.3 (MANE Select); coding-DNA position 6175, A replaced by G.
Protein change: p.Ile2059Val; replaces isoleucine 2059 with valine.
Molecular consequence: missense variant.
Genome position (GRCh38, 1-based): chr9:128,625,874, A>G. VCF-style: chr9-128625874-A-G. GRCh37 (hg19) VCF-style: chr9-131388153-A-G.
Other names: c.6100A>G, p.Ile2034Val (NM_001195532.2); c.6175A>G, p.Ile2059Val (NM_001363759.2, NM_001375310.1, NM_001375311.2 and 1 more transcripts); c.6115A>G, p.Ile2039Val (NM_001363765.2, NM_001375314.2); c.6211A>G, p.Ile2071Val (NM_001375312.2, NM_001375318.1); c.6160A>G, p.Ile2054Val (NM_003127.4); short protein forms I2054V, I2071V, I2034V, I2059V, I2039V.
Identifiers: ClinVar variation 1952057 (VCV001952057.5), dbSNP rs2542190081, ClinGen allele CA375086783.